The following is an entry in ClinVar:

NM_004360.5(CDH1):c.2296-18A>G

Gene: CDH1 (cadherin 1; plus strand). Cytogenetic location: 16q22.1.
Variant type: single nucleotide variant.
Coding change: c.2296-18A>G on transcript NM_004360.5 (MANE Select); 18 bases into the intron before coding-DNA position 2296, A replaced by G.
Molecular consequence: intron variant.
Genome position (GRCh38, 1-based): chr16:68,829,636, A>G. VCF-style: chr16-68829636-A-G. GRCh37 (hg19) VCF-style: chr16-68863539-A-G.
Other names: c.748-18A>G (NM_001317185.2); c.331-18A>G (NM_001317186.2); c.2113-18A>G (NM_001317184.2).
Identifiers: ClinVar variation 629923 (VCV000629923.3), dbSNP rs750381383, ClinGen allele CA8130253.

ClinVar aggregate classification (germline): Likely benign. Review status: criteria provided, multiple submitters, no conflicts (2 of 4 stars). 2 submissions from 2 submitters: Likely benign (2). Last evaluated 2024-09-23.

Conditions:
Hereditary cancer-predisposing syndrome. Also called: Tumor predisposition; Neoplastic Syndromes, Hereditary; Hereditary Cancer Syndrome; Hereditary neoplastic syndrome. Identifiers: Orphanet 140162, MedGen C0027672, MeSH D009386, MONDO:0015356.
Hereditary diffuse gastric adenocarcinoma (HDGC). Also called: DIFFUSE GASTRIC AND LOBULAR BREAST CANCER SYNDROME. Identifiers: Orphanet 26106, MedGen C1708349, MONDO:0007648, OMIM 137215.

Allele frequency attached by ClinVar (database versions not stated): ExAC 0.00001.
gnomAD v4.1: 3 of 1,613,772 alleles (0.00019%); highest among the groups gnomAD compares: Non-Finnish European, 0.00025%; no homozygotes.

Submissions (2):

Myriad Genetics, Inc.
Classification: Likely benign for Hereditary diffuse gastric adenocarcinoma. Last evaluated: 2024-09-23. Review status: criteria provided, single submitter. Criteria: Myriad Autosomal Dominant, Autosomal Recessive and X-Linked Classification Criteria (2023). Collection method: clinical testing. Allele origin: unknown.
Comment: This variant is considered likely benign. This variant is intronic and is not expected to impact mRNA splicing.

Color Diagnostics, LLC DBA Color Health
Classification: Likely benign for Hereditary cancer-predisposing syndrome. Last evaluated: 2018-10-02. Review status: criteria provided, single submitter. Criteria: ACMG Guidelines, 2015. Collection method: clinical testing. Allele origin: germline.